The following is an entry in ClinVar:

ClinVar aggregate classification (germline): Pathogenic (1 of 4 stars; one submission).

Submission:

GeneDx
Classification: Pathogenic. Last evaluated: 2016-10-10. Review status: criteria provided, single submitter. Criteria: GeneDx Variant Classification (06012015). Collection method: clinical testing. Allele origin: germline. Affected: yes.
Comment: The c.8366+1G>A pathogenic variant in the KMT2D gene has not been reported previously as a pathogenic variant nor as a benign variant, to our knowledge. This splice site variant destroys the canonical splice donor site in intron 33. It is predicted to cause abnormal gene splicing, either leading to an abnormal message that is subject to nonsense-mediated mRNA decay, or to an abnormal protein product if the message is used for protein translation. The c.8366+1G>A variant was not observed in approximately 6000 individuals of European and African American ancestry in the NHLBI Exome Sequencing Project, indicating it is not a common benign variant in these populations. We interpret c.8366+1G>A as a pathogenic variant,

NM_003482.4(KMT2D):c.8366+1G>A

Gene: KMT2D (lysine methyltransferase 2D; minus strand). Cytogenetic location: 12q13.12.
Variant type: single nucleotide variant.
Coding change: c.8366+1G>A on transcript NM_003482.4 (MANE Select); the canonical splice donor site of the intron after coding-DNA position 8366, G replaced by A.
Molecular consequence: splice donor variant.
Genome position (GRCh38, 1-based): chr12:49,039,221, C>T on the plus strand (G>A on the coding strand, the complement: KMT2D is on the minus strand). VCF-style: chr12-49039221-C-T. GRCh37 (hg19) VCF-style: chr12-49433004-C-T.
Identifiers: ClinVar variation 373023 (VCV000373023.2), dbSNP rs1057518149, ClinGen allele CA16042799.